The following is an entry in ClinVar:

NM_004448.4(ERBB2):c.1793C>A (p.Ala598Asp)

Gene: ERBB2 (erb-b2 receptor tyrosine kinase 2; plus strand). Cytogenetic location: 17q12.
Variant type: single nucleotide variant.
Coding change: c.1793C>A on transcript NM_004448.4 (MANE Select); coding-DNA position 1793, C replaced by A.
Protein change: p.Ala598Asp; replaces alanine 598 with aspartic acid.
Molecular consequence: missense variant. On other transcripts: non-coding transcript variant (1), intron variant (1).
Genome position (GRCh38, 1-based): chr17:39,717,375, C>A. VCF-style: chr17-39717375-C-A. GRCh37 (hg19) VCF-style: chr17-37873628-C-A.
Other names: c.1703C>A, p.Ala568Asp (NM_001005862.3, NM_001289938.2, NM_001382782.1 and 1 more transcripts); c.1748C>A, p.Ala583Asp (NM_001289936.2); c.1793C>A, p.Ala598Asp (NM_001289937.2, NM_001382792.1, NM_001382793.1 and 9 more transcripts); c.1910C>A, p.Ala637Asp (NM_001382784.1, NM_001382786.1); c.1895C>A, p.Ala632Asp (NM_001382785.1); c.1868C>A, p.Ala623Asp (NM_001382787.1); c.1823C>A, p.Ala608Asp (NM_001382788.1); c.1814C>A, p.Ala605Asp (NM_001382789.1); and 6 more; short protein forms A568D, A598D, A583D, A322D, A512D, A538D, A595D, A597D.
Identifiers: ClinVar variation 134073 (VCV000134073.8), dbSNP rs145409713, ClinGen allele CA158592.

ClinVar aggregate classification (germline): Uncertain significance. Review status: criteria provided, multiple submitters, no conflicts (2 of 4 stars). 3 submissions from 3 submitters: Uncertain significance (2). 1 of the submissions does not count toward it. Last evaluated 2026-01-26.

Conditions:
Ovarian cancer. Also called: OVARIAN CANCER, SOMATIC. Identifiers: Orphanet 213500, MedGen C1140680, MONDO:0008170, OMIM 167000.
Gastric cancer. Also called: Stomach cancer; Malignant tumor of stomach. Identifiers: MedGen C0024623, MeSH D013274, MONDO:0001056, OMIM 613659, HP:0012126.
Glioma susceptibility 1 (GLM1). Also called: Glioblastoma, somatic. Identifiers: MedGen C2750850, MONDO:0024498, OMIM 137800.
Lung cancer. Also called: Lung cancer, somatic; Malignant tumor of lung. Identifiers: MedGen C0242379, MONDO:0008903, OMIM 211980.
Visceral neuropathy, familial, 2, autosomal recessive. Identifiers: MedGen C5561950, MONDO:0030399, OMIM 619465.

Allele frequency attached by ClinVar (database versions not stated): gnomAD exomes below 0.00001 and 0.00002; ExAC 0.00001; gnomAD 0.00004; TOPMed 0.00005.
gnomAD v4.1: 38 of 1,612,786 alleles (0.0024%); highest among the groups gnomAD compares: East Asian, 0.011%; no homozygotes.

Submissions (3):

Labcorp Genetics (formerly Invitae), Labcorp
Classification: Uncertain significance. Last evaluated: 2026-01-26. Review status: criteria provided, single submitter. Criteria: Invitae Variant Classification Sherloc (09022015). Collection method: clinical testing. Allele origin: germline.
Comment: This sequence change replaces alanine, which is neutral and non-polar, with aspartic acid, which is acidic and polar, at codon 598 of the ERBB2 protein (p.Ala598Asp). This variant is present in population databases (rs145409713, gnomAD 0.01%). This variant has not been reported in the literature in individuals affected with ERBB2-related conditions. ClinVar contains an entry for this variant (Variation ID: 134073). Invitae Evidence Modeling of protein sequence and biophysical properties (such as structural, functional, and spatial information, amino acid conservation, physicochemical variation, residue mobility, and thermodynamic stability) indicates that this missense variant is not expected to disrupt ERBB2 protein function with a negative predictive value of 80%. In summary, the available evidence is currently insufficient to determine the role of this variant in disease. Therefore, it has been classified as a Variant of Uncertain Significance.

Fulgent Genetics
Classification: Uncertain significance for Glioma susceptibility 1; Ovarian cancer; Lung cancer; Gastric cancer; Visceral neuropathy, familial, 2, autosomal recessive. Last evaluated: 2024-05-20. Review status: criteria provided, single submitter. Criteria: ACMG Guidelines, 2015. Collection method: clinical testing. Allele origin: germline.

ITMI
No classification provided. Condition: AllHighlyPenetrant. Last evaluated: 2013-09-19. Review status: no classification provided. Collection method: reference population. Allele origin: germline. Not counted in ClinVar's aggregate classification.
Comment: Please see associated publication for description of ethnicities

Literature cited by the submitters: PubMed 24728327 (cited by ITMI).